The following is an entry in ClinVar:

NM_015404.4(WHRN):c.1960G>A (p.Val654Ile)

Gene: WHRN (whirlin; minus strand). Cytogenetic location: 9q32.
Variant type: single nucleotide variant.
Coding change: c.1960G>A on transcript NM_015404.4 (MANE Select); coding-DNA position 1960, G replaced by A.
Protein change: p.Val654Ile; replaces valine 654 with isoleucine.
Molecular consequence: missense variant.
Genome position (GRCh38, 1-based): chr9:114,406,631, C>T on the plus strand (G>A on the coding strand, the complement: WHRN is on the minus strand). VCF-style: chr9-114406631-C-T. GRCh37 (hg19) VCF-style: chr9-117168911-C-T.
Other names: c.811G>A, p.Val271Ile (NM_001083885.3); c.1960G>A, p.Val654Ile (NM_001173425.2); c.907G>A, p.Val303Ile (NM_001346890.1); short protein forms V271I, V303I, V654I.
Identifiers: ClinVar variation 933769 (VCV000933769.8), dbSNP rs572609043, ClinGen allele CA5205771.

ClinVar aggregate classification (germline): Conflicting classifications of pathogenicity. Review status: criteria provided, conflicting classifications (1 of 4 stars). 2 submissions from 2 submitters: Uncertain significance (1); Likely benign (1). Last evaluated 2021-11-09.

Allele frequency attached by ClinVar (database versions not stated): TOPMed 0.00001; gnomAD exomes 0.00004 and 0.00009; gnomAD 0.00006 and 0.00008; ExAC 0.00007; 1000 Genomes Project 30x 0.00016; 1000 Genomes Project 0.00020.
gnomAD v4.1: 70 of 1,611,736 alleles (0.0043%); highest among the groups gnomAD compares: Middle Eastern, 0.033%; no homozygotes.

Submissions (2):

Labcorp Genetics (formerly Invitae), Labcorp
Classification: Uncertain significance. Last evaluated: 2021-11-09. Review status: criteria provided, single submitter. Criteria: Invitae Variant Classification Sherloc (09022015). Collection method: clinical testing. Allele origin: germline.
Comment: This variant is present in population databases (rs572609043, gnomAD 0.04%). In summary, the available evidence is currently insufficient to determine the role of this variant in disease. Therefore, it has been classified as a Variant of Uncertain Significance. Algorithms developed to predict the effect of missense changes on protein structure and function output the following: SIFT: "Tolerated"; PolyPhen-2: "Benign"; Align-GVGD: "Class C0". The isoleucine amino acid residue is found in multiple mammalian species, which suggests that this missense change does not adversely affect protein function. ClinVar contains an entry for this variant (Variation ID: 933769). This variant has not been reported in the literature in individuals affected with WHRN-related conditions. This sequence change replaces valine, which is neutral and non-polar, with isoleucine, which is neutral and non-polar, at codon 654 of the WHRN protein (p.Val654Ile).

Blueprint Genetics
Classification: Likely benign. Last evaluated: 2021-04-26. Review status: criteria provided, single submitter. Criteria: ACMG Guidelines, 2015. Collection method: clinical testing. Allele origin: germline.